The following is an entry in ClinVar:

ClinVar aggregate classification (germline): Uncertain significance (1 of 4 stars; one submission).

Conditions:
Familial hemiplegic migraine. Identifiers: MedGen C0338484, MONDO:0000700.

Submission:

Labcorp Genetics (formerly Invitae), Labcorp
Classification: Uncertain significance for Familial hemiplegic migraine. Last evaluated: 2020-04-29. Review status: criteria provided, single submitter. Criteria: Invitae Variant Classification Sherloc (09022015). Collection method: clinical testing. Allele origin: germline.
Comment: In summary, the available evidence is currently insufficient to determine the role of this variant in disease. Therefore, it has been classified as a Variant of Uncertain Significance. Algorithms developed to predict the effect of missense changes on protein structure and function (SIFT, PolyPhen-2, Align-GVGD) all suggest that this variant is likely to be disruptive, but these predictions have not been confirmed by published functional studies and their clinical significance is uncertain. This missense change has been observed in individual(s) with dystonia (PMID: 31737037). This variant is not present in population databases (ExAC no frequency). This sequence change replaces serine with arginine at codon 779 of the ATP1A2 protein (p.Ser779Arg). The serine residue is highly conserved and there is a moderate physicochemical difference between serine and arginine.

Literature cited by the submitters: PubMed 31737037.

NM_000702.4(ATP1A2):c.2337C>A (p.Ser779Arg)

Gene: ATP1A2 (ATPase Na+/K+ transporting subunit alpha 2; plus strand). Cytogenetic location: 1q23.2.
Variant type: single nucleotide variant.
Coding change: c.2337C>A on transcript NM_000702.4 (MANE Select); coding-DNA position 2337, C replaced by A.
Protein change: p.Ser779Arg; replaces serine 779 with arginine.
Molecular consequence: missense variant.
Genome position (GRCh38, 1-based): chr1:160,135,891, C>A. VCF-style: chr1-160135891-C-A. GRCh37 (hg19) VCF-style: chr1-160105681-C-A.
Other names: short protein forms S779R.
Identifiers: ClinVar variation 1059141 (VCV001059141.9), dbSNP rs2101995485, ClinGen allele CA343250250.
Genomic context (GRCh38, chr1:160,135,891, plus strand): 5'-CCCCACAGGCCGCCTGATCTTTGACAACTTGAAGAAATCCATCGCCTACACCCTGACCAG[C>A]AACATCCCCGAGATCACCCCCTTCCTGCTGTTCATCATTGCCAACATCCCCCTACCTCTG-3'
Protein context (NP_000693.1, residues 769-789): LKKSIAYTLT[Ser779Arg]NIPEITPFLL